The following is an entry in ClinVar:

ClinVar aggregate classification (germline): Pathogenic (1 of 4 stars; one submission).

Submission:

Labcorp Genetics (formerly Invitae), Labcorp
Classification: Pathogenic. Last evaluated: 2022-10-27. Review status: criteria provided, single submitter. Criteria: Invitae Variant Classification Sherloc (09022015). Collection method: clinical testing. Allele origin: unknown.
Comment: For these reasons, this variant has been classified as Pathogenic. This variant has not been reported in the literature in individuals affected with COL18A1-related conditions. This variant is a gross deletion of the genomic region encompassing exon(s) 1-32 of the COL18A1 gene, which includes the initiator codon. This deletion extends beyond the assayed region for this gene and therefore may encompass additional genes. It is expected to result in an absent or disrupted protein product. Loss-of-function variants in COL18A1 are known to be pathogenic (PMID: 12415512, 25456301).

Literature cited by the submitters: PubMed 12415512; PubMed 25456301.

NC_000021.8:g.(?_46825146)_(46917595_?)del

Gene: COL18A1 (collagen type XVIII alpha 1 chain; plus strand). Cytogenetic location: 21q22.3.
Variant type: Deletion.
Identifiers: ClinVar variation 3248211 (VCV003248211.1).